The following is an entry in ClinVar:

ClinVar aggregate classification (germline): Uncertain significance. Review status: criteria provided, multiple submitters, no conflicts (2 of 4 stars). 2 submissions from 2 submitters: Uncertain significance (2). Last evaluated 2025-04-16.

Conditions:
Hereditary cancer-predisposing syndrome. Also called: Hereditary neoplastic syndrome; Hereditary Cancer Syndrome; Neoplastic Syndromes, Hereditary; Tumor predisposition. Identifiers: Orphanet 140162, MedGen C0027672, MeSH D009386, MONDO:0015356.

Allele frequency attached by ClinVar (database versions not stated): gnomAD exomes below 0.00001.
gnomAD v4.1: 1 of 1,614,160 alleles (0.000062%); highest among the groups gnomAD compares: Non-Finnish European, 0.000085%; no homozygotes.

Submissions (2):

Ambry Genetics
Classification: Uncertain significance for Hereditary cancer-predisposing syndrome. Last evaluated: 2025-04-16. Review status: criteria provided, single submitter. Criteria: Ambry Variant Classification Scheme 2023. Collection method: clinical testing. Allele origin: germline.
Comment: The p.P116L variant (also known as c.347C>T), located in coding exon 3 of the SMARCB1 gene, results from a C to T substitution at nucleotide position 347. The proline at codon 116 is replaced by leucine, an amino acid with similar properties. This amino acid position is highly conserved in available vertebrate species. In addition, this alteration is predicted to be deleterious by in silico analysis. Based on the available evidence, the clinical significance of this variant remains unclear.

Labcorp Genetics (formerly Invitae), Labcorp
Classification: Uncertain significance. Last evaluated: 2024-01-21. Review status: criteria provided, single submitter. Criteria: Invitae Variant Classification Sherloc (09022015). Collection method: clinical testing. Allele origin: germline.
Comment: This sequence change replaces proline, which is neutral and non-polar, with leucine, which is neutral and non-polar, at codon 116 of the SMARCB1 protein (p.Pro116Leu). This variant is not present in population databases (gnomAD no frequency). This variant has not been reported in the literature in individuals affected with SMARCB1-related conditions. Advanced modeling of protein sequence and biophysical properties (such as structural, functional, and spatial information, amino acid conservation, physicochemical variation, residue mobility, and thermodynamic stability) performed at Invitae indicates that this missense variant is not expected to disrupt SMARCB1 protein function with a negative predictive value of 80%. In summary, the available evidence is currently insufficient to determine the role of this variant in disease. Therefore, it has been classified as a Variant of Uncertain Significance.

NM_003073.5(SMARCB1):c.347C>T (p.Pro116Leu)

Gene: SMARCB1 (SWI/SNF related BAF chromatin remodeling complex subunit B1; plus strand). Cytogenetic location: 22q11.23.
Variant type: single nucleotide variant.
Coding change: c.347C>T on transcript NM_003073.5 (MANE Select); coding-DNA position 347, C replaced by T.
Protein change: p.Pro116Leu; replaces proline 116 with leucine.
Molecular consequence: missense variant.
Genome position (GRCh38, 1-based): chr22:23,793,673, C>T. VCF-style: chr22-23793673-C-T. GRCh37 (hg19) VCF-style: chr22-24135860-C-T.
Other names: c.320C>T, p.Pro107Leu (NM_001007468.3, NM_001317946.2); c.347C>T, p.Pro116Leu (NM_001362877.2); short protein forms P107L, P116L.
Identifiers: ClinVar variation 2769304 (VCV002769304.4), dbSNP rs1928548399, ClinGen allele CA410934069.